The following is an entry in ClinVar:

ClinVar aggregate classification (germline): Uncertain significance (1 of 4 stars; one submission).

Submission:

Labcorp Genetics (formerly Invitae), Labcorp
Classification: Uncertain significance. Last evaluated: 2025-08-01. Review status: criteria provided, single submitter. Criteria: Invitae Variant Classification Sherloc (09022015). Collection method: clinical testing. Allele origin: germline.
Comment: This sequence change falls in intron 6 of the ASXL1 gene. It does not directly change the encoded amino acid sequence of the ASXL1 protein. This variant is not present in population databases (gnomAD no frequency). This variant has not been reported in the literature in individuals affected with ASXL1-related conditions. ClinVar contains an entry for this variant (Variation ID: 1915460). Algorithms developed to predict the effect of sequence changes on RNA splicing suggest that this variant may create or strengthen a splice site. In summary, the available evidence is currently insufficient to determine the role of this variant in disease. Therefore, it has been classified as a Variant of Uncertain Significance.

NM_015338.6(ASXL1):c.471+12_471+15dup

Gene: ASXL1 (ASXL transcriptional regulator 1; plus strand). Cytogenetic location: 20q11.21.
Variant type: Duplication.
Coding change: c.471+12_471+15dup on transcript NM_015338.6 (MANE Select); bases 12 to 15 of the intron after coding-DNA position 471, 4 bases duplicated (GTAG; older notation c.471+12_471+15dupGTAG).
Molecular consequence: intron variant.
Genome position (GRCh38, 1-based): chr20:32,428,434-32,428,437, GTAG duplicated; duplicating any 4 consecutive bases within chr20:32,428,432-32,428,437 gives the same sequence; the c. name uses the placement nearest the transcript's 3' end. VCF-style (leftmost placement, unchanged base first): chr20-32428431-G-GAGGT. GRCh37 (hg19) VCF-style: chr20-31016234-G-GAGGT.
Other names: c.441+12_441+15dup (NM_001363734.1).
Identifiers: ClinVar variation 1915460 (VCV001915460.5), dbSNP rs977574055, ClinGen allele CA313924232.